The following is an entry in ClinVar:

ClinVar aggregate classification (germline): Benign. Review status: criteria provided, single submitter (1 of 4 stars). 2 submissions from 2 submitters: Benign (1). 1 of the submissions does not count toward it. Last evaluated 2018-10-09.

Conditions:
TENM1-related disorder. Also called: TENM1-related condition.

Allele frequency attached by ClinVar (database versions not stated): gnomAD exomes 0.00014; 1000 Genomes Project 0.00053; 1000 Genomes Project 30x 0.00062; gnomAD 0.00073 and 0.00078; TOPMed 0.00104; ESP Exome Variant Server 0.00114.
gnomAD v4.1: 246 of 1,209,397 alleles (0.02%); highest among the groups gnomAD compares: African/African-American, 0.2%; no homozygotes.

Submissions (2):

Labcorp Genetics (formerly Invitae), Labcorp
Classification: Benign. Last evaluated: 2018-10-09. Review status: criteria provided, single submitter. Criteria: Invitae Variant Classification Sherloc (09022015). Collection method: clinical testing. Allele origin: germline.

PreventionGenetics, part of Exact Sciences
Classification: Likely benign for TENM1-related condition. Last evaluated: 2019-03-25. Review status: no assertion criteria provided. Collection method: clinical testing. Allele origin: germline. Not counted in ClinVar's aggregate classification.
Comment: This variant is classified as likely benign based on ACMG/AMP sequence variant interpretation guidelines (Richards et al. 2015 PMID: 25741868, with internal and published modifications).

NM_001163278.2(TENM1):c.7980C>T (p.Arg2660=)

Gene: TENM1 (teneurin transmembrane protein 1; minus strand). Cytogenetic location: Xq25.
Variant type: single nucleotide variant.
Coding change: c.7980C>T on transcript NM_001163278.2 (MANE Select); coding-DNA position 7980, C replaced by T.
Protein change: p.Arg2660=; no amino-acid change (arginine 2660 retained).
Molecular consequence: synonymous variant.
Genome position (GRCh38, 1-based): chrX:124,380,755, G>A on the plus strand (C>T on the coding strand, the complement: TENM1 is on the minus strand). VCF-style: chrX-124380755-G-A. GRCh37 (hg19) VCF-style: chrX-123514605-G-A.
Other names: c.7977C>T, p.Arg2659= (NM_001163279.1); c.7959C>T, p.Arg2653= (NM_014253.3).
Identifiers: ClinVar variation 786397 (VCV000786397.6), dbSNP rs139883667, ClinGen allele CA10509340.